The following is an entry in ClinVar:

NM_000059.4(BRCA2):c.4286A>G (p.Gln1429Arg)

Gene: BRCA2 (BRCA2 DNA repair associated; plus strand). Cytogenetic location: 13q13.1.
Variant type: single nucleotide variant.
Coding change: c.4286A>G on transcript NM_000059.4 (MANE Select); coding-DNA position 4286, A replaced by G.
Protein change: p.Gln1429Arg; replaces glutamine 1429 with arginine.
Molecular consequence: missense variant.
Genome position (GRCh38, 1-based): chr13:32,338,641, A>G. VCF-style: chr13-32338641-A-G. GRCh37 (hg19) VCF-style: chr13-32912778-A-G.
Other names: c.4286A>G, p.Gln1429Arg (NM_001406719.1, NM_001406720.1); short protein forms Q1429R.
Identifiers: ClinVar variation 1739380 (VCV001739380.4), dbSNP rs2137504838, ClinGen allele CA387780638.

ClinVar aggregate classification (germline): Conflicting classifications of pathogenicity. Review status: criteria provided, conflicting classifications (1 of 4 stars). 2 submissions from 2 submitters: Uncertain significance (1); Likely benign (1). Last evaluated 2023-03-23.

Conditions:
Hereditary cancer-predisposing syndrome. Also called: Hereditary Cancer Syndrome; Hereditary neoplastic syndrome; Neoplastic Syndromes, Hereditary; Tumor predisposition. Identifiers: Orphanet 140162, MedGen C0027672, MeSH D009386, MONDO:0015356.

Submissions (2):

University of Washington Department of Laboratory Medicine, University of Washington
Classification: Likely benign for Hereditary cancer-predisposing syndrome. Last evaluated: 2023-03-23. Review status: criteria provided, single submitter. Criteria: Dines et al. (Genet Med. 2020). Collection method: curation. Allele origin: germline.
Comment: Missense variant in a coldspot region where missense variants are very unlikely to be pathogenic (PMID:31911673).

BRCA2 exon 11 coldspot. Reclassification based on statistical prior probability.

Ambry Genetics
Classification: Uncertain significance for Hereditary cancer-predisposing syndrome. Last evaluated: 2020-11-16. Review status: criteria provided, single submitter. Criteria: Ambry Variant Classification Scheme 2023. Collection method: clinical testing. Allele origin: germline.
Comment: The p.Q1429R variant (also known as c.4286A>G), located in coding exon 10 of the BRCA2 gene, results from an A to G substitution at nucleotide position 4286. The glutamine at codon 1429 is replaced by arginine, an amino acid with highly similar properties. This amino acid position is well conserved in available vertebrate species. In addition, the in silico prediction for this alteration is inconclusive. Since supporting evidence is limited at this time, the clinical significance of this alteration remains unclear.